The following is an entry in ClinVar:

NM_198503.5(KCNT2):c.2415C>T (p.Ser805=)

Gene: KCNT2 (potassium sodium-activated channel subfamily T member 2; minus strand). Cytogenetic location: 1q31.3.
Variant type: single nucleotide variant.
Coding change: c.2415C>T on transcript NM_198503.5 (MANE Select); coding-DNA position 2415, C replaced by T.
Protein change: p.Ser805=; no amino-acid change (serine 805 retained).
Molecular consequence: synonymous variant. On other transcripts: non-coding transcript variant (2).
Genome position (GRCh38, 1-based): chr1:196,315,960, G>A on the plus strand (C>T on the coding strand, the complement: KCNT2 is on the minus strand). VCF-style: chr1-196315960-G-A. GRCh37 (hg19) VCF-style: chr1-196285090-G-A.
Other names: c.2343C>T, p.Ser781= (NM_001287819.3); c.2193C>T, p.Ser731= (NM_001287820.3).
Identifiers: ClinVar variation 3250869 (VCV003250869.18), dbSNP rs748615136.

ClinVar aggregate classification (germline): Likely benign (1 of 4 stars; one submission).

Allele frequency attached by ClinVar (database versions not stated): gnomAD exomes below 0.00001; TOPMed below 0.00001; ExAC 0.00001.
gnomAD v4.1: 2 of 1,609,962 alleles (0.00012%); highest among the groups gnomAD compares: South Asian, 0.0011%; no homozygotes.

Submission:

CeGaT Center for Human Genetics Tuebingen
Classification: Likely benign. Last evaluated: 2024-06-01. Review status: criteria provided, single submitter. Criteria: CeGaT Center For Human Genetics Tuebingen Variant Classification Criteria Version 2. Collection method: clinical testing. Allele origin: germline. Affected: yes. Observed: 1 variant allele.
Comment: KCNT2: BP4, BP7